The following is an entry in ClinVar:

ClinVar aggregate classification (germline): Conflicting classifications of pathogenicity. Review status: criteria provided, conflicting classifications (1 of 4 stars). 19 submissions from 15 submitters: Uncertain significance (6); Benign (3); Likely benign (4). 6 of the submissions do not count toward it. Last evaluated 2026-02-03.

Conditions:
Cardiomyopathy (CMYO). Also called: Cardiomyopathies. Identifiers: Orphanet 167848, MedGen C0878544, MONDO:0004994, HP:0001638. Inheritance: Various modes of inheritance.
Tibial muscular dystrophy (TMD). Also called: Tibial muscular dystrophy, tardive; UDD MYOPATHY; Udd Distal Myopathy – Tibial Muscular Dystrophy. Identifiers: Orphanet 609, MedGen C1838244, MONDO:0010870, OMIM 600334.
Dilated cardiomyopathy 1G (CMD1G). Identifiers: Orphanet 154, MedGen C1858763, MONDO:0011400, OMIM 604145.
Primary dilated cardiomyopathy (DCM). Also called: Dilated Cardiomyopathy. Identifiers: Orphanet 217604, MedGen C0007193, MeSH D002311, MONDO:0005021, HP:0001644. Inheritance: Various modes of inheritance.
TTN-related disorder. Also called: TTN-related condition; TTN-related disease; TTN-related disorders.
Autosomal recessive limb-girdle muscular dystrophy type 2J (LGMDR10). Also called: Limb-girdle muscular dystrophy, type 2J; MUSCULAR DYSTROPHY, LIMB-GIRDLE, AUTOSOMAL RECESSIVE 10. Identifiers: Orphanet 140922, MedGen C1837342, MONDO:0012127, OMIM 608807.
Early-onset myopathy with fatal cardiomyopathy (CMYO5). Also called: CONGENITAL MYOPATHY 5 WITH CARDIOMYOPATHY; Salih Myopathy. Identifiers: Orphanet 289377, MedGen C2673677, MONDO:0012714, OMIM 611705. Disease mechanism: loss of function.
Myopathy, myofibrillar, 9, with early respiratory failure (MFM9). Also called: Hereditary myopathy with early respiratory failure; EDSTROM MYOPATHY; MYOPATHY, PROXIMAL, WITH EARLY RESPIRATORY MUSCLE INVOLVEMENT; Myopathy, distal, with early respiratory failure, autosomal dominant. Identifiers: Orphanet 178464, Orphanet 34521, MedGen C1863599, MONDO:0011362, OMIM 603689.

Allele frequency attached by ClinVar (database versions not stated): gnomAD exomes 0.00020; ExAC 0.00022; TOPMed 0.00023; gnomAD 0.00025 and 0.00028; 1000 Genomes Project 0.00040; 1000 Genomes Project 30x 0.00047.
gnomAD v4.1: 248 of 1,613,568 alleles (0.015%); highest among the groups gnomAD compares: East Asian, 0.12%; 7 homozygotes.

Submissions (19):

Labcorp Genetics (formerly Invitae), Labcorp
Classification: Benign for Dilated cardiomyopathy 1G; Autosomal recessive limb-girdle muscular dystrophy type 2J. Last evaluated: 2026-02-03. Review status: criteria provided, single submitter. Criteria: Invitae Variant Classification Sherloc (09022015). Collection method: clinical testing. Allele origin: germline.

Blueprint Genetics
Classification: Likely benign. Last evaluated: 2024-11-25. Review status: criteria provided, single submitter. Criteria: ACMG Guidelines, 2015. Collection method: clinical testing. Allele origin: germline.

Women's Health and Genetics/Laboratory Corporation of America, LabCorp
Classification: Benign. Last evaluated: 2023-11-07. Review status: criteria provided, single submitter. Criteria: LabCorp Variant Classification Summary - May 2015. Collection method: clinical testing. Allele origin: germline.
Comment: Variant summary: TTN c.13811G>A (p.Gly4604Glu) results in a non-conservative amino acid change located in the I-band domain of the encoded protein sequence. Three of three in-silico tools predict a damaging effect of the variant on protein function. The variant allele was found at a frequency of 0.0002 in 248864 control chromosomes, predominantly at a frequency of 0.0022 within the East Asian subpopulation in the gnomAD database, including 1 homozygote. The observed variant frequency within East Asian control individuals in the gnomAD database is approximately 5.63 fold of the estimated maximal expected allele frequency for a pathogenic variant in TTN causing Dilated Cardiomyopathy phenotype (0.00039), strongly suggesting that the variant is a benign polymorphism found primarily in populations of East Asian origin. c.13811G>A has been reported in the literature in at least one individual affected with neuromuscular diseases as well as in healthy controls (Tain_2015, Clarke_2013). These reports do not provide unequivocal conclusions about association of the variant with Dilated Cardiomyopathy. To our knowledge, no experimental evidence demonstrating an impact on protein function has been reported. The following publications have been ascertained in the context of this evaluation (PMID: 34137518, 27066551). Five submitters have cited clinical-significance assessments for this variant to ClinVar after 2014 and classified this variant as uncertain significance (n=2), likely benign (n=1) and benign (n=2). Based on the evidence outlined above, the variant was classified as benign.

ARUP Laboratories, Molecular Genetics and Genomics, ARUP Laboratories
Classification: Likely benign. Last evaluated: 2023-11-03. Review status: criteria provided, single submitter. Criteria: ARUP Molecular Germline Variant Investigation Process 2024. Collection method: clinical testing. Allele origin: germline.

CHEO Genetics Diagnostic Laboratory, Children's Hospital of Eastern Ontario
Classification: Benign for Cardiomyopathy. Last evaluated: 2018-03-15. Review status: criteria provided, single submitter. Criteria: ACMG Guidelines, 2015. Collection method: clinical testing. Allele origin: germline.

Illumina Laboratory Services, Illumina
Classification: Uncertain significance for Autosomal recessive limb-girdle muscular dystrophy type 2J. Last evaluated: 2017-04-27. Review status: criteria provided, single submitter. Criteria: ICSL Variant Classification Criteria 13 December 2019. Collection method: clinical testing. Allele origin: germline.

Illumina Laboratory Services, Illumina
Classification: Uncertain significance for Early-onset myopathy with fatal cardiomyopathy. Last evaluated: 2017-04-27. Review status: criteria provided, single submitter. Criteria: ICSL Variant Classification Criteria 13 December 2019. Collection method: clinical testing. Allele origin: germline.

Illumina Laboratory Services, Illumina
Classification: Uncertain significance for Myopathy, myofibrillar, 9, with early respiratory failure. Last evaluated: 2017-04-27. Review status: criteria provided, single submitter. Criteria: ICSL Variant Classification Criteria 13 December 2019. Collection method: clinical testing. Allele origin: germline.

Illumina Laboratory Services, Illumina
Classification: Uncertain significance for Dilated cardiomyopathy 1G. Last evaluated: 2017-04-27. Review status: criteria provided, single submitter. Criteria: ICSL Variant Classification Criteria 13 December 2019. Collection method: clinical testing. Allele origin: germline.
Comment: This variant was observed as part of a predisposition screen in an ostensibly healthy population. A literature search was performed for the gene, cDNA change, and amino acid change (where applicable). Publications were found based on this search. However, the evidence from the literature, in combination with allele frequency data from public databases where available, was not sufficient to rule this variant in or out of causing disease. Therefore, this variant is classified as a variant of unknown significance.

Illumina Laboratory Services, Illumina
Classification: Uncertain significance for Tibial muscular dystrophy. Last evaluated: 2017-04-27. Review status: criteria provided, single submitter. Criteria: ICSL Variant Classification Criteria 13 December 2019. Collection method: clinical testing. Allele origin: germline.

Eurofins Ntd Llc (ga)
Classification: Uncertain significance. Last evaluated: 2016-01-04. Review status: criteria provided, single submitter. Criteria: EGL Classification Definitions 2015. Collection method: clinical testing. Allele origin: germline. Observed: 6 variant alleles, 4 heterozygotes, 1 homozygote.

Laboratory for Molecular Medicine, Mass General Brigham Personalized Medicine
Classification: Likely benign. Last evaluated: 2015-03-23. Review status: criteria provided, single submitter. Criteria: LMM Criteria. Collection method: clinical testing. Allele origin: germline. Observed: 2 variant alleles.
Comment: p.Gly4604Glu in exon 57 of TTN: This variant is not expected to have clinical si gnificance because it has been identified in 0.3% (23/8608) of East Asian chromo somes, including 2 homozygotes, by the Exome Aggregation Consortium (ExAC; dbSNP rs185962498).

Genetics and Genomics Program, Sidra Medicine
Classification: Likely benign for Primary dilated cardiomyopathy. Review status: criteria provided, single submitter. Criteria: ACMG Guidelines, 2015. Collection method: research. Allele origin: unknown. Affected: yes. Observed: 1 variant allele.

PreventionGenetics, part of Exact Sciences
Classification: Likely benign for TTN-related condition. Last evaluated: 2020-10-20. Review status: no assertion criteria provided. Collection method: clinical testing. Allele origin: germline. Not counted in ClinVar's aggregate classification.
Comment: This variant is classified as likely benign based on ACMG/AMP sequence variant interpretation guidelines (Richards et al. 2015 PMID: 25741868, with internal and published modifications).

GeneDx
No classification provided. Last evaluated: 2014-07-10. Review status: no classification provided. Criteria: GeneDx Variant Classification (06012015). Collection method: clinical testing. Allele origin: germline. Affected: yes. Not counted in ClinVar's aggregate classification.
Comment: Missense variants in the TTN gene are considered 'unclassified' if they are not previously reported in the literature and do not have >1% frequency in the population to be considered a polymorphism. Research indicates that truncating mutations in the TTN gene are expected to account for approximately 25% of familial and 18% of sporadic idiopathic DCM; however, truncating variants in the TTN gene have been reported in approximately 3% of reported control alleles. There has been little investigation into non-truncating variants. (Herman D et al. Truncations of titin causing dilated cardiomyopathy. N Eng J Med 366:619-628, 2012) The variant is found in CARDIOMYOPATHY panel(s).

Clinical Genetics DNA and cytogenetics Diagnostics Lab, Erasmus MC, Erasmus Medical Center
Classification: Likely benign. Review status: no assertion criteria provided. Collection method: clinical testing. Allele origin: germline. Affected: yes. Study: VKGL Data-share Consensus. Not counted in ClinVar's aggregate classification.

Clinical Genetics, Academic Medical Center
Classification: Benign. Review status: no assertion criteria provided. Collection method: clinical testing. Allele origin: germline. Affected: yes. Study: VKGL Data-share Consensus. Not counted in ClinVar's aggregate classification.

Diagnostic Laboratory, Department of Genetics, University Medical Center Groningen
Classification: Likely benign. Review status: no assertion criteria provided. Collection method: clinical testing. Allele origin: germline. Affected: yes. Study: VKGL Data-share Consensus. Not counted in ClinVar's aggregate classification.

Joint Genome Diagnostic Labs from Nijmegen and Maastricht, Radboudumc and MUMC+
Classification: Likely benign. Review status: no assertion criteria provided. Collection method: clinical testing. Allele origin: germline. Affected: yes. Study: VKGL Data-share Consensus. Not counted in ClinVar's aggregate classification.

Literature cited by the submitters: PubMed 27066551 (cited by Women's Health and Genetics/Laboratory Corporation of America, LabCorp); PubMed 34137518 (cited by Women's Health and Genetics/Laboratory Corporation of America, LabCorp); PubMed 23478172 (cited by Illumina Laboratory Services, Illumina).

NM_001267550.2(TTN):c.17543G>A (p.Gly5848Glu)

Genes: TTN (titin; minus strand), LOC126806431 (CDK7 strongly-dependent group 2 enhancer GRCh37_chr2:179595719-179596918; plus strand). Cytogenetic location: 2q31.2.
Variant type: single nucleotide variant.
Coding change: c.17543G>A on transcript NM_001267550.2 (MANE Select); coding-DNA position 17543, G replaced by A.
Protein change: p.Gly5848Glu; replaces glycine 5848 with glutamic acid.
Molecular consequence: missense variant. On other transcripts: intron variant (3).
Genome position (GRCh38, 1-based): chr2:178,731,122, C>T on the plus strand (G>A on the coding strand, the complement: TTN is on the minus strand). VCF-style: chr2-178731122-C-T. GRCh37 (hg19) VCF-style: chr2-179595849-C-T.
Other names: p.G5531E:GGG>GAG; c.13282+6960G>A (NM_003319.4); c.13858+6960G>A (NM_133437.4); c.13657+6960G>A (NM_133432.3); c.16592G>A, p.Gly5531Glu (NM_001256850.1); c.13811G>A, p.Gly4604Glu (NM_133378.4); short protein forms G4604E, G5848E, G5531E.
Identifiers: ClinVar variation 179056 (VCV000179056.38), dbSNP rs185962498, ClinGen allele CA183639.